The following is an entry in ClinVar:

NM_000257.4(MYH7):c.4224T>C (p.Asn1408=)

Gene: MYH7 (myosin heavy chain 7; minus strand). Cytogenetic location: 14q11.2.
Variant type: single nucleotide variant.
Coding change: c.4224T>C on transcript NM_000257.4 (MANE Select); coding-DNA position 4224, T replaced by C.
Protein change: p.Asn1408=; no amino-acid change (asparagine 1408 retained).
Molecular consequence: synonymous variant.
Genome position (GRCh38, 1-based): chr14:23,417,632, A>G on the plus strand (T>C on the coding strand, the complement: MYH7 is on the minus strand). VCF-style: chr14-23417632-A-G. GRCh37 (hg19) VCF-style: chr14-23886841-A-G.
Other names: c.4224T>C (LRG_384t1).
Identifiers: ClinVar variation 509165 (VCV000509165.2), dbSNP rs747540624, ClinGen allele CA041314.

ClinVar aggregate classification (germline): Likely benign. Review status: criteria provided, multiple submitters, no conflicts (2 of 4 stars). 2 submissions from 2 submitters: Likely benign (2). Last evaluated 2024-04-27.

Conditions:
Cardiovascular phenotype. Identifiers: MedGen CN230736.

Allele frequency attached by ClinVar (database versions not stated): gnomAD exomes below 0.00001; ExAC 0.00001; gnomAD 0.00001.
gnomAD v4.1: 4 of 1,612,930 alleles (0.00025%); highest among the groups gnomAD compares: African/African-American, 0.0027%; no homozygotes.

Submissions (2):

Ambry Genetics
Classification: Likely benign for Cardiovascular phenotype. Last evaluated: 2024-04-27. Review status: criteria provided, single submitter. Criteria: Ambry Variant Classification Scheme 2023. Collection method: clinical testing. Allele origin: germline.

GeneDx
Classification: Likely benign. Last evaluated: 2017-04-27. Review status: criteria provided, single submitter. Criteria: GeneDx Variant Classification (06012015). Collection method: clinical testing. Allele origin: germline. Affected: yes.
Comment: This variant is considered likely benign or benign based on one or more of the following criteria: it is a conservative change, it occurs at a poorly conserved position in the protein, it is predicted to be benign by multiple in silico algorithms, and/or has population frequency not consistent with disease.